The following is an entry in ClinVar:

ClinVar aggregate classification (germline): Uncertain significance (1 of 4 stars; one submission).

Allele frequency attached by ClinVar (database versions not stated): TOPMed below 0.00001; ExAC 0.00001; gnomAD 0.00001; gnomAD exomes 0.00001.
gnomAD v4.1: 16 of 1,614,034 alleles (0.00099%); highest among the groups gnomAD compares: Admixed American, 0.0017%; no homozygotes.

Submission:

Labcorp Genetics (formerly Invitae), Labcorp
Classification: Uncertain significance. Last evaluated: 2026-01-13. Review status: criteria provided, single submitter. Criteria: Invitae Variant Classification Sherloc (09022015). Collection method: clinical testing. Allele origin: germline.
Comment: This sequence change replaces asparagine, which is neutral and polar, with aspartic acid, which is acidic and polar, at codon 374 of the MAP3K8 protein (p.Asn374Asp). This variant is present in population databases (rs751754929, gnomAD 0.003%). This variant has not been reported in the literature in individuals affected with MAP3K8-related conditions. ClinVar contains an entry for this variant (Variation ID: 1481962). An algorithm developed to predict the effect of missense changes on protein structure and function (PolyPhen-2) suggests that this variant is likely to be tolerated. In summary, the available evidence is currently insufficient to determine the role of this variant in disease. Therefore, it has been classified as a Variant of Uncertain Significance.

NM_005204.4(MAP3K8):c.1120A>G (p.Asn374Asp)

Gene: MAP3K8 (mitogen-activated protein kinase kinase kinase 8; plus strand). Cytogenetic location: 10p11.23.
Variant type: single nucleotide variant.
Coding change: c.1120A>G on transcript NM_005204.4 (MANE Select); coding-DNA position 1120, A replaced by G.
Protein change: p.Asn374Asp; replaces asparagine 374 with aspartic acid.
Molecular consequence: missense variant.
Genome position (GRCh38, 1-based): chr10:30,459,348, A>G. VCF-style: chr10-30459348-A-G. GRCh37 (hg19) VCF-style: chr10-30748277-A-G.
Other names: c.1120A>G, p.Asn374Asp (NM_001244134.1, NM_001320961.2); short protein forms N374D.
Identifiers: ClinVar variation 1481962 (VCV001481962.6), dbSNP rs751754929, ClinGen allele CA5459863.